The following is an entry in ClinVar:

ClinVar aggregate classification (germline): Conflicting classifications of pathogenicity. Review status: criteria provided, conflicting classifications (1 of 4 stars). 3 submissions from 3 submitters: Likely pathogenic (2); Uncertain significance (1). Last evaluated 2025-07-01.

Conditions:
Ataxia-telangiectasia syndrome (AT). Also called: Ataxia-telangiectasia, complementation group D; AT, COMPLEMENTATION GROUP C; ATAXIA-TELANGIECTASIA, COMPLEMENTATION GROUP A; ATAXIA-TELANGIECTASIA, FRESNO VARIANT; Ataxia-telangiectasia; LOUIS-BAR SYNDROME. Identifiers: Orphanet 100, MedGen C0004135, MONDO:0008840, OMIM 208900.
Hereditary cancer-predisposing syndrome. Also called: Neoplastic Syndromes, Hereditary; Tumor predisposition; Hereditary neoplastic syndrome; Hereditary Cancer Syndrome. Identifiers: Orphanet 140162, MedGen C0027672, MeSH D009386, MONDO:0015356.

Submissions (3):

Ambry Genetics
Classification: Likely pathogenic for Hereditary cancer-predisposing syndrome. Last evaluated: 2025-07-01. Review status: criteria provided, single submitter. Criteria: Ambry Variant Classification Scheme 2023. Collection method: clinical testing. Allele origin: germline.
Comment: The c.2639-7_2639-2delTTTTTA intronic variant, located upstream from coding exon 17 of the ATM gene, results from a deletion of six nucleotides between positions c.2639-7 and c.2639-2 within intron 16 of the ATM gene. This splice acceptor site is well conserved in available vertebrate species. In silico splice site analysis predicts that this alteration will weaken the native splice acceptor site. RNA studies have demonstrated that this alteration results in abnormal splicing in the set of samples tested (Ambry internal data). This variant is considered to be rare based on population cohorts in the Genome Aggregation Database (gnomAD). Based on the majority of available evidence to date, this variant is likely to be pathogenic.

GeneKor MSA
Classification: Likely pathogenic for Hereditary cancer-predisposing syndrome. Last evaluated: 2025-06-25. Review status: criteria provided, single submitter. Criteria: ACMG Guidelines, 2015. Collection method: clinical testing. Allele origin: germline. Affected: no.
Comment: This sequence change deletes 6 bases right before exon 17 of the ATM mRNA (c.2639-7_2639-2del), in splice acceptor site that is well conserved in available vertebrate species. It is expected to affect RNA splicing. ClinVar contains entries for this variant (VCV001794151.4). For these reasons, this variant has been classified as likely pathogenic.

3billion
Classification: Uncertain significance for Ataxia-telangiectasia syndrome. Last evaluated: 2023-12-26. Review status: criteria provided, single submitter. Criteria: ACMG Guidelines, 2015. Collection method: clinical testing. Allele origin: germline. Affected: yes.
Comment: The variant is not observed in the gnomAD v2.1.1 dataset. Predicted Consequence/Location: Intron variant In silico tools predict the variant to alter splicing and produce an abnormal transcript [SpliceAI: 0.98 (>=0.2, moderate evidence for spliceogenicity)]. The variant has been reported to be associated with ATM-related disorder (ClinVar ID: VCV001794151). However, the evidence of pathogenicity is insufficient at this time. Therefore, this variant is classified as VUS according to the recommendation of ACMG/AMP guideline.

NM_000051.4(ATM):c.2639-7_2639-2del

Gene: ATM (ATM serine/threonine kinase; plus strand). Cytogenetic location: 11q22.3.
Variant type: Microsatellite.
Coding change: c.2639-7_2639-2del on transcript NM_000051.4 (MANE Select); 7 bases into the intron before coding-DNA position 2639 through the canonical splice acceptor site of the intron before coding-DNA position 2639, 6 bases deleted (TTTTTA; older notation c.2639-7_2639-2delTTTTTA).
Molecular consequence: splice acceptor variant.
Genome position (GRCh38, 1-based): chr11:108,268,403-108,268,408, TTTTTA deleted; deleting any 6 consecutive bases within chr11:108,268,397-108,268,408 gives the same sequence; the c. name uses the placement nearest the transcript's 3' end. VCF-style (leftmost placement, unchanged base first): chr11-108268396-CTTTTTA-C. GRCh37 (hg19) VCF-style: chr11-108139123-CTTTTTA-C.
Other names: c.2639-7_2639-2del (NM_001351834.2).
Identifiers: ClinVar variation 1794151 (VCV001794151.6), dbSNP rs2497629416, ClinGen allele CA2580616425.